The following is an entry in ClinVar:

ClinVar aggregate classification (germline): Pathogenic/Likely pathogenic. Review status: criteria provided, multiple submitters, no conflicts (2 of 4 stars). 2 submissions from 2 submitters: Pathogenic (1); Likely pathogenic (1). Last evaluated 2021-03-23.

Conditions:
Marfan syndrome (MFS). Also called: FBN1-Related Marfan Syndrome; MARFAN SYNDROME, TYPE I; Marfan syndrome type 1; Marfan's syndrome; Marfan syndrome, classic. Identifiers: Orphanet 284963, Orphanet 558, MedGen C0024796, MONDO:0007947, OMIM 154700.
Familial thoracic aortic aneurysm and aortic dissection (TAAD). Also called: Thoracic aortic aneurysms and dissections. Identifiers: Orphanet 91387, MedGen C4707243, MONDO:0019625.
Isolated thoracic aortic aneurysm.

Submissions (2):

Labcorp Genetics (formerly Invitae), Labcorp
Classification: Pathogenic for Marfan syndrome; Familial thoracic aortic aneurysm and aortic dissection. Last evaluated: 2021-03-23. Review status: criteria provided, single submitter. Criteria: Invitae Variant Classification Sherloc (09022015). Collection method: clinical testing. Allele origin: germline.
Comment: This variant has been observed in individual(s) with clinical features of FBN1-related conditions (PMID: 27611364, Invitae). This sequence change replaces cysteine with tyrosine at codon 2017 of the FBN1 protein (p.Cys2017Tyr). The cysteine residue is highly conserved and there is a large physicochemical difference between cysteine and tyrosine. This variant is not present in population databases (ExAC no frequency). Advanced modeling of protein sequence and biophysical properties (such as structural, functional, and spatial information, amino acid conservation, physicochemical variation, residue mobility, and thermodynamic stability) performed at Invitae indicates that this missense variant is expected to disrupt FBN1 protein function. This variant affects a cysteine residue in the EGF-like, TGFBP or hybrid motif domains of FBN1. Cysteine residues are believed to be involved in intramolecular disulfide bridges and have been shown to be important for FBN1 protein structure (PMID: 16905551, 19349279). In addition, missense substitutions affecting cysteine residues within these domains are significantly overrepresented among patients with Marfan syndrome (PMID: 16571647, 17701892). For these reasons, this variant has been classified as Pathogenic. This variant disrupts the p.Cys2017 amino acid residue in FBN1. Other variant(s) that disrupt this residue have been observed in individuals with FBN1-related conditions (PMID: 25907466, Invitae), which suggests that this may be a clinically significant amino acid residue.

Department of Vascular Biology, Beijing Anzhen Hospital
Classification: Likely pathogenic for Isolated thoracic aortic aneurysm. Last evaluated: 2018-09-01. Review status: criteria provided, single submitter. Criteria: ACMG Guidelines, 2015. Collection method: research. Allele origin: germline. Affected: yes.

Literature cited by the submitters: PubMed 27611364 (cited by Labcorp Genetics (formerly Invitae), Labcorp); PubMed 16905551 (cited by Labcorp Genetics (formerly Invitae), Labcorp); PubMed 19349279 (cited by Labcorp Genetics (formerly Invitae), Labcorp); PubMed 16571647 (cited by Labcorp Genetics (formerly Invitae), Labcorp); PubMed 17701892 (cited by Labcorp Genetics (formerly Invitae), Labcorp); PubMed 25907466 (cited by Labcorp Genetics (formerly Invitae), Labcorp).

NM_000138.5(FBN1):c.6050G>A (p.Cys2017Tyr)

Gene: FBN1 (fibrillin 1; minus strand). Cytogenetic location: 15q21.1.
Variant type: single nucleotide variant.
Coding change: c.6050G>A on transcript NM_000138.5 (MANE Select); coding-DNA position 6050, G replaced by A.
Protein change: p.Cys2017Tyr; replaces cysteine 2017 with tyrosine.
Molecular consequence: missense variant.
Genome position (GRCh38, 1-based): chr15:48,441,834, C>T on the plus strand (G>A on the coding strand, the complement: FBN1 is on the minus strand). VCF-style: chr15-48441834-C-T. GRCh37 (hg19) VCF-style: chr15-48734031-C-T.
Other names: short protein forms C2017Y.
Identifiers: ClinVar variation 982358 (VCV000982358.10), dbSNP rs2141245523, ClinGen allele CA392338611.